The following is an entry in ClinVar:

NM_020771.4(HACE1):c.994C>T (p.Arg332Ter)

Gene: HACE1 (HECT domain and ankyrin repeat containing E3 ubiquitin protein ligase 1; minus strand). Cytogenetic location: 6q16.3.
Variant type: single nucleotide variant.
Coding change: c.994C>T on transcript NM_020771.4 (MANE Select); coding-DNA position 994, C replaced by T.
Protein change: p.Arg332Ter; replaces arginine 332 with a stop codon.
Molecular consequence: nonsense. On other transcripts: non-coding transcript variant (7).
Genome position (GRCh38, 1-based): chr6:104,791,584, G>A on the plus strand (C>T on the coding strand, the complement: HACE1 is on the minus strand). VCF-style: chr6-104791584-G-A. GRCh37 (hg19) VCF-style: chr6-105239459-G-A.
Other names: c.862C>T, p.Arg288Ter (NM_001321080.2); c.892C>T, p.Arg298Ter (NM_001321083.2); c.490C>T, p.Arg164Ter (NM_001321084.2, NM_001350557.2, NM_001350558.2); c.760C>T, p.Arg254Ter (NM_001350554.2); c.703C>T, p.Arg235Ter (NM_001350555.2); c.508C>T, p.Arg170Ter (NM_001350556.2); c.412C>T, p.Arg138Ter (NM_001350559.2); c.211C>T, p.Arg71Ter (NM_001350560.2); and 1 more; short protein forms R138*, R164*, R235*, R288*, R298*, R332*, R170*, R254*.
Identifiers: ClinVar variation 870959 (VCV000870959.43), dbSNP rs759641985, ClinGen allele CA3940374.

ClinVar aggregate classification (germline): Pathogenic/Likely pathogenic. Review status: criteria provided, multiple submitters, no conflicts (2 of 4 stars). 3 submissions from 3 submitters: Pathogenic (2); Likely pathogenic (1). Last evaluated 2024-01-23.

Conditions:
Spastic paraplegia-severe developmental delay-epilepsy syndrome. Also called: Spastic paraplegia and psychomotor retardation with or without seizures. Identifiers: Orphanet 464282, MedGen C4225215, MONDO:0014764, OMIM 616756.

Allele frequency attached by ClinVar (database versions not stated): ExAC 0.00001; TOPMed 0.00001; gnomAD exomes 0.00002.
gnomAD v4.1: 5 of 1,610,790 alleles (0.00031%); highest among the groups gnomAD compares: Admixed American, 0.0067%; no homozygotes.

Submissions (3):

Fulgent Genetics
Classification: Pathogenic for Spastic paraplegia-severe developmental delay-epilepsy syndrome. Last evaluated: 2024-01-23. Review status: criteria provided, single submitter. Criteria: ACMG Guidelines, 2015. Collection method: clinical testing. Allele origin: germline.

GeneDx
Classification: Likely pathogenic. Last evaluated: 2022-12-19. Review status: criteria provided, single submitter. Criteria: GeneDx Variant Classification Process June 2021. Collection method: clinical testing. Allele origin: germline. Affected: yes.
Comment: Nonsense variant predicted to result in protein truncation or nonsense mediated decay in a gene for which loss of function is a known mechanism of disease; Published functional study suggests a damaging effect: increased Ras-related C3 botulinum toxin substrate 1 (RAC1) activity and reactive oxygen species (ROS) in comparison to wild-type in patient-derived fibroblasts (Nagy et al., 2019); This variant is associated with the following publications: (PMID: 32366477, Kovalskaia2022[CaseReport], 31321300)

CeGaT Center for Human Genetics Tuebingen
Classification: Pathogenic. Last evaluated: 2018-04-01. Review status: criteria provided, single submitter. Criteria: CeGaT Center For Human Genetics Tuebingen Variant Classification Criteria Version 2. Collection method: clinical testing. Allele origin: germline. Affected: yes. Observed: 2 variant alleles.